The following is an entry in ClinVar:

ClinVar aggregate classification (germline): Benign. Review status: criteria provided, multiple submitters, no conflicts (2 of 4 stars). 6 submissions from 5 submitters: Benign (5). 1 of the submissions does not count toward it. Last evaluated 2026-02-04.

Conditions:
Jawad syndrome (JWDS). Also called: KELLY SYNDROME; MICROCEPHALY WITH IMPAIRED INTELLECTUAL DEVELOPMENT AND DIGITAL ANOMALIES. Identifiers: Orphanet 313795, MedGen C0796063, MONDO:0009622, OMIM 251255.
Seckel syndrome 2 (SCKL2). Also called: MICROCEPHALIC PRIMORDIAL DWARFISM 2; SECKEL-TYPE DWARFISM 2. Identifiers: Orphanet 808, MedGen C1847572, MONDO:0011715, OMIM 606744.

Allele frequency attached by ClinVar (database versions not stated): gnomAD exomes 0.12336 and 0.12040; ExAC 0.16101; TOPMed 0.17872; ESP Exome Variant Server 0.19429; gnomAD 0.18089 and 0.17679; 1000 Genomes Project 0.16873; 1000 Genomes Project 30x 0.17458.
gnomAD v4.1: 201,793 of 1,601,680 alleles (13%); highest among the groups gnomAD compares: African/African-American, 34%; 15,406 homozygotes.

Submissions (6):

Labcorp Genetics (formerly Invitae), Labcorp
Classification: Benign. Last evaluated: 2026-02-04. Review status: criteria provided, single submitter. Criteria: Invitae Variant Classification Sherloc (09022015). Collection method: clinical testing. Allele origin: germline.

Genome-Nilou Lab
Classification: Benign for Jawad syndrome. Last evaluated: 2021-11-07. Review status: criteria provided, single submitter. Criteria: ACMG Guidelines, 2015. Collection method: clinical testing. Allele origin: germline. Affected: no.

Genome-Nilou Lab
Classification: Benign for Seckel syndrome 2. Last evaluated: 2021-11-07. Review status: criteria provided, single submitter. Criteria: ACMG Guidelines, 2015. Collection method: clinical testing. Allele origin: germline. Affected: no.

GeneDx
Classification: Benign. Last evaluated: 2015-03-03. Review status: criteria provided, single submitter. Criteria: GeneDx Variant Classification Process June 2021. Collection method: clinical testing. Allele origin: germline. Affected: yes.

Breakthrough Genomics
Classification: Benign. Review status: criteria provided, single submitter. Criteria: ACMG Guidelines, 2015. Collection method: not provided. Allele origin: germline. Inheritance: Autosomal recessive inheritance. Affected: yes.

Genetic Services Laboratory, University of Chicago
Classification: Likely benign for AllHighlyPenetrant. Review status: no assertion criteria provided. Collection method: clinical testing. Allele origin: germline. Inheritance: Autosomal recessive inheritance. Not counted in ClinVar's aggregate classification.
Comment: Likely benign based on allele frequency in 1000 Genomes Project or ESP global frequency and its presence in a patient with a rare or unrelated disease phenotype. NOT Sanger confirmed.

NM_002894.3(RBBP8):c.2115G>A (p.Lys705=)

Gene: RBBP8 (RB binding protein 8, endonuclease; plus strand). Cytogenetic location: 18q11.2.
Variant type: single nucleotide variant.
Coding change: c.2115G>A on transcript NM_002894.3 (MANE Select); coding-DNA position 2115, G replaced by A.
Protein change: p.Lys705=; no amino-acid change (lysine 705 retained).
Molecular consequence: synonymous variant.
Genome position (GRCh38, 1-based): chr18:22,997,706, G>A. VCF-style: chr18-22997706-G-A. GRCh37 (hg19) VCF-style: chr18-20577669-G-A.
Other names: c.2115G>A, p.Lys705= (NM_203291.2, NM_203292.2).
Identifiers: ClinVar variation 130107 (VCV000130107.17), dbSNP rs17852769, ClinGen allele CA154895.
Genomic context (GRCh38, chr18:22,997,706, plus strand): 5'-AGAGACAGTGGACATGGACTGTACATTGGTTAGTGAAACCGTTCTCTTAAAAATGAAGAA[G>A]CAAGAGCAGAAGGGAGAAAAAAGTTCAAGTAAGATCTGTTTTTGTTTTGTTATTTTTTTT-3'
Protein context (NP_002885.1, residues 695-715): VSETVLLKMK[Lys705=]QEQKGEKSSN